The following is an entry in ClinVar:

ClinVar aggregate classification (germline): Likely pathogenic (1 of 4 stars; one submission).

Conditions:
MHC class II deficiency. Also called: Bare lymphocyte syndrome 2; BLS, TYPE II. Identifiers: Orphanet 572, MedGen C5447452, MONDO:0008855.

gnomAD v4.1: 1 of 1,614,112 alleles (0.000062%); highest among the groups gnomAD compares: Non-Finnish European, 0.000085%; no homozygotes.

Submission:

Labcorp Genetics (formerly Invitae), Labcorp
Classification: Likely pathogenic for MHC class II deficiency. Last evaluated: 2022-04-23. Review status: criteria provided, single submitter. Criteria: Invitae Variant Classification Sherloc (09022015). Collection method: clinical testing. Allele origin: germline.
Comment: This variant has not been reported in the literature in individuals affected with CIITA-related conditions. Algorithms developed to predict the effect of sequence changes on RNA splicing suggest that this variant may disrupt the consensus splice site. In summary, the currently available evidence indicates that the variant is pathogenic, but additional data are needed to prove that conclusively. Therefore, this variant has been classified as Likely Pathogenic. This sequence change affects a donor splice site in intron 8 of the CIITA gene. It is expected to disrupt RNA splicing. Variants that disrupt the donor or acceptor splice site typically lead to a loss of protein function (PMID: 16199547), and loss-of-function variants in CIITA are known to be pathogenic (PMID: 8402893, 9099848, 26271388). This variant is not present in population databases (gnomAD no frequency).

Literature cited by the submitters: PubMed 16199547; PubMed 8402893; PubMed 9099848; PubMed 26271388.

NM_000246.4(CIITA):c.772+1G>T

Gene: CIITA (class II major histocompatibility complex transactivator; plus strand). Cytogenetic location: 16p13.13.
Variant type: single nucleotide variant.
Coding change: c.772+1G>T on transcript NM_000246.4 (MANE Select); the canonical splice donor site of the intron after coding-DNA position 772, G replaced by T.
Molecular consequence: splice donor variant.
Genome position (GRCh38, 1-based): chr16:10,902,802, G>T. VCF-style: chr16-10902802-G-T. GRCh37 (hg19) VCF-style: chr16-10996659-G-T.
Other names: c.775+1G>T (NM_001379332.1, NM_001286402.1); c.628+1G>T (NM_001379330.1); c.772+1G>T (NM_001379333.1); c.625+1G>T (NM_001379331.1, NM_001286403.2); c.703+1G>T (NM_001379334.1).
Identifiers: ClinVar variation 1964085 (VCV001964085.5), dbSNP rs2544415250, ClinGen allele CA394728963.
Genomic context (GRCh38, chr16:10,902,802, plus strand): 5'-ATGGGCTCTGGCAAATCTCTGAGGCTGGAACAGGGGTCTCCAGTATATTCATCTACCATG[G>T]TGAGTGCGGGGCCTGGCTCCCCGACCACCTCTCCCTCCTACCTGACTGCTCCCTGACCTC-3'